The following is an entry in ClinVar:

NM_004517.4(ILK):c.1079-18C>T

Genes: ILK (integrin linked kinase; plus strand), TAF10 (TATA-box binding protein associated factor 10; minus strand). Cytogenetic location: 11p15.4.
Variant type: single nucleotide variant.
Coding change: c.1079-18C>T on transcript NM_004517.4 (MANE Select); 18 bases into the intron before coding-DNA position 1079, C replaced by T.
Molecular consequence: intron variant. On other transcripts: 3 prime UTR variant (1).
Genome position (GRCh38, 1-based): chr11:6,610,130, C>T. VCF-style: chr11-6610130-C-T. GRCh37 (hg19) VCF-style: chr11-6631361-C-T.
Other names: c.*792G>A (NM_006284.4); c.1079-18C>T (NM_001014795.3, NM_001014794.3); c.896-18C>T (NM_001278441.2); c.677-18C>T (NM_001278442.2).
Identifiers: ClinVar variation 137592 (VCV000137592.12), dbSNP rs111833028, ClinGen allele CA333083.

ClinVar aggregate classification (germline): Benign. Review status: criteria provided, multiple submitters, no conflicts (2 of 4 stars). 5 submissions from 5 submitters: Benign (3). 2 of the submissions do not count toward it. Last evaluated 2026-02-03.

Conditions:
Primary familial hypertrophic cardiomyopathy (HCM). Identifiers: Orphanet 99739, MedGen C0949658, MeSH D024741, MONDO:0024573. Inheritance: Various modes of inheritance.

Allele frequency attached by ClinVar (database versions not stated): gnomAD 0.00738 and 0.00907; ESP Exome Variant Server 0.00770; gnomAD exomes 0.00857 and 0.01499; TOPMed 0.00925; ExAC 0.01548; 1000 Genomes Project 0.01937; 1000 Genomes Project 30x 0.01952.
gnomAD v4.1: 14,090 of 1,614,196 alleles (0.87%); highest among the groups gnomAD compares: South Asian, 5.3%; 232 homozygotes.

Submissions (5):

Labcorp Genetics (formerly Invitae), Labcorp
Classification: Benign for Primary familial hypertrophic cardiomyopathy. Last evaluated: 2026-02-03. Review status: criteria provided, single submitter. Criteria: Invitae Variant Classification Sherloc (09022015). Collection method: clinical testing. Allele origin: germline.

GeneDx
Classification: Benign. Last evaluated: 2014-01-28. Review status: criteria provided, single submitter. Criteria: GeneDx Variant Classification (06012015). Collection method: clinical testing. Allele origin: germline. Affected: yes.
Comment: This variant is considered likely benign or benign based on one or more of the following criteria: it is a conservative change, it occurs at a poorly conserved position in the protein, it is predicted to be benign by multiple in silico algorithms, and/or has population frequency not consistent with disease.

Breakthrough Genomics
Classification: Benign. Review status: criteria provided, single submitter. Criteria: ACMG Guidelines, 2015. Collection method: not provided. Allele origin: germline. Inheritance: Unknown mechanism. Affected: yes.

Clinical Genetics DNA and cytogenetics Diagnostics Lab, Erasmus MC, Erasmus Medical Center
Classification: Benign. Review status: no assertion criteria provided. Collection method: clinical testing. Allele origin: germline. Affected: yes. Study: VKGL Data-share Consensus. Not counted in ClinVar's aggregate classification.

Genome Diagnostics Laboratory, University Medical Center Utrecht
Classification: Benign. Review status: no assertion criteria provided. Collection method: clinical testing. Allele origin: germline. Affected: yes. Study: VKGL Data-share Consensus. Not counted in ClinVar's aggregate classification.